The following is an entry in ClinVar:

NM_000191.3(HMGCL):c.494G>A (p.Arg165Gln)

Gene: HMGCL (3-hydroxy-3-methylglutaryl-CoA lyase; minus strand). Cytogenetic location: 1p36.11.
Variant type: single nucleotide variant.
Coding change: c.494G>A on transcript NM_000191.3 (MANE Select); coding-DNA position 494, G replaced by A.
Protein change: p.Arg165Gln; replaces arginine 165 with glutamine.
Molecular consequence: missense variant. On other transcripts: intron variant (1).
Genome position (GRCh38, 1-based): chr1:23,814,193, C>T on the plus strand (G>A on the coding strand, the complement: HMGCL is on the minus strand). VCF-style: chr1-23814193-C-T. GRCh37 (hg19) VCF-style: chr1-24140683-C-T.
Other names: c.348+2482G>A (NM_001166059.2); short protein forms R165Q.
Identifiers: ClinVar variation 501099 (VCV000501099.16), dbSNP rs199587895, ClinGen allele CA686090.

ClinVar aggregate classification (germline): Conflicting classifications of pathogenicity. Review status: criteria provided, conflicting classifications (1 of 4 stars). 6 submissions from 6 submitters: Pathogenic (3); Likely pathogenic (2); Uncertain significance (1). Last evaluated 2025-10-14.

Conditions:
Long chain 3-hydroxyacyl-CoA dehydrogenase deficiency. Also called: Deficiency of long-chain 3-hydroxyacyl-coenzyme A dehydrogenase; LCHAD Deficiency. Identifiers: Orphanet 5, MedGen C3711645, MONDO:0012173, OMIM 609016.
Deficiency of hydroxymethylglutaryl-CoA lyase (HMGCLD). Also called: HMGCL DEFICIENCY; HYDROXYMETHYLGLUTARIC ACIDURIA; Defect in leucine metabolism; 3-hydroxy-3-methylglutaric aciduria; HMG-CoA LYASE DEFICIENCY. Identifiers: Orphanet 20, MedGen C1533587, MONDO:0009520, OMIM 246450.

Allele frequency attached by ClinVar (database versions not stated): gnomAD 0.00001; TOPMed 0.00001; 1000 Genomes Project 30x 0.00016; 1000 Genomes Project 0.00020.
gnomAD v4.1: 6 of 1,613,672 alleles (0.00037%); highest among the groups gnomAD compares: African/African-American, 0.0067%; no homozygotes.

Submissions (6):

Natera, Inc.
Classification: Likely pathogenic for Deficiency of long-chain 3-hydroxyacyl-coenzyme A dehydrogenase. Last evaluated: 2025-10-14. Review status: criteria provided, single submitter. Criteria: Natera Variant Classification Schema (03/2026). Collection method: clinical testing. Allele origin: germline.
Comment: The c.494G>A variant in HMGCL is a missense variant predicted to cause substitution of arginine to glutamine at amino acid 165. This variant is rare in the general population with a frequency below the threshold expected for the associated phenotype(s). This variant has been observed in one or more individuals affected with the associated recessive disease, as either homozygous or compound heterozygous with a second variant (PMID: 19036343). A different variant at the same position has been determined to be Pathogenic or Likely Pathogenic. Computational prediction algorithms indicate this variant is likely to affect gene or protein function. Given the available evidence, this variant is classified as Likely Pathogenic.

Women's Health and Genetics/Laboratory Corporation of America, LabCorp
Classification: Likely pathogenic for Deficiency of hydroxymethylglutaryl-CoA lyase. Last evaluated: 2025-06-26. Review status: criteria provided, single submitter. Criteria: LabCorp Variant Classification Summary - May 2015. Collection method: clinical testing. Allele origin: germline.
Comment: Variant summary: HMGCL c.494G>A (p.Arg165Gln) results in a conservative amino acid change located in the Pyruvate carboxyltransferase domain (IPR000891) of the encoded protein sequence. Algorithms developed to predict the effect of missense changes on protein structure and function are either unavailable or do not agree on the potential impact of this missense change. The variant allele was found at a frequency of 4e-06 in 251460 control chromosomes. The available data on variant occurrences in the general population are insufficient to allow any conclusion about variant significance. c.494G>A has been observed in individuals affected with HMG-CoA Lyase Deficiency (Lin_2009 and Pierron_2010, LCG internal data). These data indicates that this variant may be associated with disease. To our knowledge, no experimental evidence demonstrating an impact on protein function has been reported. A different amino acid change in this codon, c.493C>T (p.Arg165Trp), has been observed in compound heterozygous and homozygous individuals with HMG-CoA Lyase Deficiency and can be classified as likely pathogenic (PMID: 10916782, 28583327), indicating that this amino acid is important for protein function. The following publications have been ascertained in the context of this evaluation (PMID: 19036343, 19932602). ClinVar contains an entry for this variant (Variation ID: 501099). Based on the evidence outlined above, the variant was classified as likely pathogenic.

Labcorp Genetics (formerly Invitae), Labcorp
Classification: Pathogenic for Deficiency of hydroxymethylglutaryl-CoA lyase. Last evaluated: 2024-02-10. Review status: criteria provided, single submitter. Criteria: Invitae Variant Classification Sherloc (09022015). Collection method: clinical testing. Allele origin: germline.
Comment: This sequence change replaces arginine, which is basic and polar, with glutamine, which is neutral and polar, at codon 165 of the HMGCL protein (p.Arg165Gln). This variant is present in population databases (rs199587895, gnomAD 0.007%). This missense change has been observed in individual(s) with 3-hydroxy-3-methylglutaryl-CoA lyase deficiency (PMID: 19036343, 19932602). In at least one individual the data is consistent with being in trans (on the opposite chromosome) from a pathogenic variant. ClinVar contains an entry for this variant (Variation ID: 501099). Advanced modeling of protein sequence and biophysical properties (such as structural, functional, and spatial information, amino acid conservation, physicochemical variation, residue mobility, and thermodynamic stability) performed at Invitae indicates that this missense variant is expected to disrupt HMGCL protein function with a positive predictive value of 80%. This variant disrupts the p.Arg165 amino acid residue in HMGCL. Other variant(s) that disrupt this residue have been determined to be pathogenic (PMID: 10916782, 28583327). This suggests that this residue is clinically significant, and that variants that disrupt this residue are likely to be disease-causing. For these reasons, this variant has been classified as Pathogenic.

Baylor Genetics
Classification: Pathogenic for Deficiency of hydroxymethylglutaryl-CoA lyase. Last evaluated: 2023-10-23. Review status: criteria provided, single submitter. Criteria: ACMG Guidelines, 2015. Collection method: clinical testing. Allele origin: unknown.

Eurofins Ntd Llc (ga)
Classification: Uncertain significance. Last evaluated: 2017-04-14. Review status: criteria provided, single submitter. Criteria: EGL Classification Definitions 2015. Collection method: clinical testing. Allele origin: germline. Observed: 1 variant allele, 1 heterozygote.

Kasturba Medical College, Manipal, Kasturba Medical College, Manipal, Manipal Academy of Higher Education, Manipal, India
Classification: Pathogenic for Deficiency of hydroxymethylglutaryl-CoA lyase. Review status: criteria provided, single submitter. Criteria: ACMG Guidelines, 2015. Collection method: clinical testing. Allele origin: inherited. Affected: yes.

Literature cited by the submitters: PubMed 19036343 (cited by 3 submitters); PubMed 19932602 (cited by Women's Health and Genetics/Laboratory Corporation of America, LabCorp and Labcorp Genetics (formerly Invitae), Labcorp); PubMed 10916782 (cited by Labcorp Genetics (formerly Invitae), Labcorp); PubMed 28583327 (cited by Labcorp Genetics (formerly Invitae), Labcorp).